The following is an entry in ClinVar:

NM_001211.6(BUB1B):c.1954C>T (p.Gln652Ter)

Gene: BUB1B (BUB1 mitotic checkpoint serine/threonine kinase B; plus strand). Cytogenetic location: 15q15.1.
Variant type: single nucleotide variant.
Coding change: c.1954C>T on transcript NM_001211.6 (MANE Select); coding-DNA position 1954, C replaced by T.
Protein change: p.Gln652Ter; replaces glutamine 652 with a stop codon.
Molecular consequence: nonsense.
Genome position (GRCh38, 1-based): chr15:40,206,403, C>T. VCF-style: chr15-40206403-C-T. GRCh37 (hg19) VCF-style: chr15-40498604-C-T.
Other names: short protein forms Q652*.
Identifiers: ClinVar variation 581252 (VCV000581252.8), dbSNP rs1401171363, ClinGen allele CA391692775.

ClinVar aggregate classification (germline): Pathogenic (1 of 4 stars; one submission).

Conditions:
Mosaic variegated aneuploidy syndrome 1 (MVA1). Also called: Warburton-Anyane-Yeboa syndrome. Identifiers: Orphanet 1052, MedGen C1850343, MONDO:0009759, OMIM 257300.

Allele frequency attached by ClinVar (database versions not stated): gnomAD exomes below 0.00001.
gnomAD v4.1: 1 of 1,614,190 alleles (0.000062%); highest among the groups gnomAD compares: Non-Finnish European, 0.000085%; no homozygotes.

Submission:

Labcorp Genetics (formerly Invitae), Labcorp
Classification: Pathogenic for Mosaic variegated aneuploidy syndrome 1. Last evaluated: 2022-01-28. Review status: criteria provided, single submitter. Criteria: Invitae Variant Classification Sherloc (09022015). Collection method: clinical testing. Allele origin: germline.
Comment: For these reasons, this variant has been classified as Pathogenic. ClinVar contains an entry for this variant (Variation ID: 581252). This variant has not been reported in the literature in individuals affected with BUB1B-related conditions. This variant is present in population databases (no rsID available, gnomAD 0.0009%). This sequence change creates a premature translational stop signal (p.Gln652*) in the BUB1B gene. It is expected to result in an absent or disrupted protein product. Loss-of-function variants in BUB1B are known to be pathogenic (PMID: 15475955, 21190457).

Literature cited by the submitters: PubMed 15475955; PubMed 21190457.